The following is an entry in ClinVar:

ClinVar aggregate classification (germline): Conflicting classifications of pathogenicity. Review status: criteria provided, conflicting classifications (1 of 4 stars). 2 submissions from 2 submitters: Uncertain significance (1); Likely benign (1). Last evaluated 2025-02-03.

Conditions:
Autosomal recessive nonsyndromic hearing loss 77. Identifiers: Orphanet 90636, MedGen C2746083, MONDO:0013119, OMIM 613079.
LOXHD1-related disorder. Also called: LOXHD1-related condition.

gnomAD v4.1: 151 of 1,551,334 alleles (0.0097%); highest among the groups gnomAD compares: Non-Finnish European, 0.011%; no homozygotes.

Submissions (2):

PreventionGenetics, part of Exact Sciences
Classification: Likely benign for LOXHD1-related condition. Last evaluated: 2025-02-03. Review status: criteria provided, single submitter. Criteria: ACMG Guidelines, 2015. Collection method: clinical testing. Allele origin: germline.
Comment: This variant is classified as likely benign based on ACMG/AMP sequence variant interpretation guidelines (Richards et al. 2015 PMID: 25741868, with internal and published modifications).

3billion
Classification: Uncertain significance for Autosomal recessive nonsyndromic hearing loss 77. Last evaluated: 2024-07-15. Review status: criteria provided, single submitter. Criteria: ACMG Guidelines, 2015. Collection method: clinical testing. Allele origin: germline. Affected: yes.
Comment: The variant is observed at an extremely low frequency in the gnomAD v4.0.0 dataset (total allele frequency: 0.010%). Predicted Consequence/Location: Intron variant In silico tools predict the variant to alter splicing and produce an abnormal transcript [SpliceAI: 0.31 (>=0.2, moderate evidence for spliceogenicity)]. Therefore, this variant is classified as VUS according to the recommendation of ACMG/AMP guideline.

NM_001384474.1(LOXHD1):c.5271+5G>C

Gene: LOXHD1 (lipoxygenase homology PLAT domains 1; minus strand). Cytogenetic location: 18q21.1.
Variant type: single nucleotide variant.
Coding change: c.5271+5G>C on transcript NM_001384474.1 (MANE Select); 5 bases into the intron after coding-DNA position 5271, G replaced by C.
Molecular consequence: intron variant.
Genome position (GRCh38, 1-based): chr18:46,521,092, C>G on the plus strand (G>C on the coding strand, the complement: LOXHD1 is on the minus strand). VCF-style: chr18-46521092-C-G. GRCh37 (hg19) VCF-style: chr18-44101055-C-G.
Other names: c.1938+5G>C (NM_001145472.3); c.1650+5G>C (NM_001308013.2, NM_001308013.1); c.5085+1009G>C (NM_144612.7).
Identifiers: ClinVar variation 4072271 (VCV004072271.2).